The following is an entry in ClinVar:

ClinVar aggregate classification (germline): Uncertain significance (1 of 4 stars; one submission).

Submission:

Labcorp Genetics (formerly Invitae), Labcorp
Classification: Uncertain significance. Last evaluated: 2021-07-30. Review status: criteria provided, single submitter. Criteria: Invitae Variant Classification Sherloc (09022015). Collection method: clinical testing. Allele origin: germline.
Comment: This variant has not been reported in the literature in individuals affected with TRAP1-related conditions. This sequence change replaces alanine with threonine at codon 364 of the TRAP1 protein (p.Ala364Thr). The alanine residue is moderately conserved and there is a small physicochemical difference between alanine and threonine. This variant is not present in population databases (ExAC no frequency). Algorithms developed to predict the effect of missense changes on protein structure and function (SIFT, PolyPhen-2, Align-GVGD) all suggest that this variant is likely to be tolerated. In summary, the available evidence is currently insufficient to determine the role of this variant in disease. Therefore, it has been classified as a Variant of Uncertain Significance.

NM_016292.3(TRAP1):c.1090G>A (p.Ala364Thr)

Gene: TRAP1 (TNF receptor associated protein 1; minus strand). Cytogenetic location: 16p13.3.
Variant type: single nucleotide variant.
Coding change: c.1090G>A on transcript NM_016292.3 (MANE Select); coding-DNA position 1090, G replaced by A.
Protein change: p.Ala364Thr; replaces alanine 364 with threonine.
Molecular consequence: missense variant.
Genome position (GRCh38, 1-based): chr16:3,672,775, C>T on the plus strand (G>A on the coding strand, the complement: TRAP1 is on the minus strand). VCF-style: chr16-3672775-C-T. GRCh37 (hg19) VCF-style: chr16-3722776-C-T.
Other names: c.931G>A, p.Ala311Thr (NM_001272049.2); short protein forms A311T, A364T.
Identifiers: ClinVar variation 1394072 (VCV001394072.6), dbSNP rs2151252421, ClinGen allele CA394569260.
Genomic context (GRCh38, chr16:3,672,775, plus strand): 5'-GCCACTTGGGCAGGATGTCCGTGGCCTTGGTCTGGATGAGGACTTTGCGGCTGTACAGTG[C>T]AACGCTGGAGCCCAGCTCCCGGCTCACATCAAACATGGACGGTTTCTGGGGGTGAGGAGA-3'
Protein context (NP_057376.2, residues 354-374): DVSRELGSSV[Ala364Thr]LYSRKVLIQT